The following is an entry in ClinVar:

ClinVar aggregate classification (germline): Conflicting classifications of pathogenicity. Review status: criteria provided, conflicting classifications (1 of 4 stars). 2 submissions from 2 submitters: Uncertain significance (1); Likely benign (1). Last evaluated 2023-03-23.

Conditions:
Hereditary cancer-predisposing syndrome. Also called: Tumor predisposition; Hereditary neoplastic syndrome; Neoplastic Syndromes, Hereditary; Hereditary Cancer Syndrome. Identifiers: Orphanet 140162, MedGen C0027672, MeSH D009386, MONDO:0015356.
Hereditary breast ovarian cancer syndrome. Also called: Hereditary breast and ovarian cancer; Hereditary breast and/or ovarian cancer syndrome; Breast and ovarian cancer; BRCA1- and BRCA2-Associated Hereditary Breast and Ovarian Cancer; Hereditary breast and ovarian cancer syndrome; Hereditary breast and ovarian cancer syndrome (HBOC). Identifiers: Orphanet 145, MedGen C0677776, MeSH D061325, MONDO:0003582. Disease mechanism: loss of function.

Submissions (2):

University of Washington Department of Laboratory Medicine, University of Washington
Classification: Likely benign for Hereditary cancer-predisposing syndrome. Last evaluated: 2023-03-23. Review status: criteria provided, single submitter. Criteria: Dines et al. (Genet Med. 2020). Collection method: curation. Allele origin: germline.
Comment: Missense variant in a coldspot region where missense variants are very unlikely to be pathogenic (PMID:31911673).

BRCA1 coldspot (exon 11 using historical exon numbering). Reclassification based on statistical prior probability

Labcorp Genetics (formerly Invitae), Labcorp
Classification: Uncertain significance for Hereditary breast ovarian cancer syndrome. Last evaluated: 2022-02-09. Review status: criteria provided, single submitter. Criteria: Invitae Variant Classification Sherloc (09022015). Collection method: clinical testing. Allele origin: germline.
Comment: In summary, the available evidence is currently insufficient to determine the role of this variant in disease. Therefore, it has been classified as a Variant of Uncertain Significance. Advanced modeling of protein sequence and biophysical properties (such as structural, functional, and spatial information, amino acid conservation, physicochemical variation, residue mobility, and thermodynamic stability) performed at Invitae indicates that this missense variant is not expected to disrupt BRCA1 protein function. This variant has not been reported in the literature in individuals affected with BRCA1-related conditions. This variant is not present in population databases (gnomAD no frequency). This sequence change replaces aspartic acid, which is acidic and polar, with histidine, which is basic and polar, at codon 1131 of the BRCA1 protein (p.Asp1131His).

NM_007294.4(BRCA1):c.3391G>C (p.Asp1131His)

Genes: BRCA1 (BRCA1 DNA repair associated; minus strand), LOC126862571 (BRD4-independent group 4 enhancer GRCh37_chr17:41243136-41244335; plus strand). Cytogenetic location: 17q21.31.
Variant type: single nucleotide variant.
Coding change: c.3391G>C on transcript NM_007294.4 (MANE Select); coding-DNA position 3391, G replaced by C.
Protein change: p.Asp1131His; replaces aspartic acid 1131 with histidine.
Molecular consequence: missense variant. On other transcripts: intron variant (135), splice acceptor variant (2).
Genome position (GRCh38, 1-based): chr17:43,092,140, C>G on the plus strand (G>C on the coding strand, the complement: BRCA1 is on the minus strand). VCF-style: chr17-43092140-C-G. GRCh37 (hg19) VCF-style: chr17-41244157-C-G.
Other names: c.3268G>C, p.Asp1090His (NM_001407682.1, NM_001407683.1, NM_001407863.1 and 19 more transcripts); c.3391G>C, p.Asp1131His (NM_001407684.1, NM_001407854.1, NM_001407858.1 and 30 more transcripts); c.3265G>C, p.Asp1089His (NM_001407685.1, NM_001407686.1, NM_001407687.1 and 11 more transcripts); c.3250G>C, p.Asp1084His (NM_001407692.1, NM_001407694.1, NM_001407695.1 and 29 more transcripts); c.3247G>C, p.Asp1083His (NM_001407740.1, NM_001407741.1, NM_001407742.1 and 20 more transcripts); c.3178G>C, p.Asp1060His (NM_001407853.1, NM_001407894.1, NM_001407895.1 and 9 more transcripts); c.3388G>C, p.Asp1130His (NM_001407860.1, NM_001407861.1, NM_001407587.1 and 22 more transcripts); c.3190G>C, p.Asp1064His (NM_001407862.1); and 41 more; short protein forms D1004H, D1064H, D1084H, D1089H, D1128H, D835H, D1105H, D1130H.
Identifiers: ClinVar variation 1938167 (VCV001938167.7), dbSNP rs1555587816, ClinGen allele CA10595196.